The following is an entry in ClinVar:

ClinVar aggregate classification (germline): Likely benign. Review status: criteria provided, multiple submitters, no conflicts (2 of 4 stars). 3 submissions from 3 submitters: Likely benign (2). 1 of the submissions does not count toward it. Last evaluated 2024-03-21.

Conditions:
Hereditary cancer-predisposing syndrome. Also called: Neoplastic Syndromes, Hereditary; Tumor predisposition; Hereditary Cancer Syndrome; Hereditary neoplastic syndrome. Identifiers: Orphanet 140162, MedGen C0027672, MeSH D009386, MONDO:0015356.
POLD1-related disorder. Also called: POLD1-related condition; POLD1-related disorders.
POLD1-related polyposis and colorectal cancer syndrome (CRCS10). Also called: Colorectal cancer 10; COLORECTAL CANCER, SUSCEPTIBILITY TO, ON CHROMOSOME 19q; Colorectal cancer, susceptibility to, 10. Identifiers: Orphanet 220460, MedGen C2675481, MONDO:0012953, OMIM 612591.

Submissions (3):

Labcorp Genetics (formerly Invitae), Labcorp
Classification: Likely benign for POLD1-related polyposis and colorectal cancer syndrome. Last evaluated: 2024-03-21. Review status: criteria provided, single submitter. Criteria: Invitae Variant Classification Sherloc (09022015). Collection method: clinical testing. Allele origin: germline.

Ambry Genetics
Classification: Likely benign for Hereditary cancer-predisposing syndrome. Last evaluated: 2018-02-16. Review status: criteria provided, single submitter. Criteria: Ambry Variant Classification Scheme 2023. Collection method: clinical testing. Allele origin: germline.

PreventionGenetics, part of Exact Sciences
Classification: Likely benign for POLD1-related condition. Last evaluated: 2023-05-29. Review status: no assertion criteria provided. Collection method: clinical testing. Allele origin: germline. Not counted in ClinVar's aggregate classification.
Comment: This variant is classified as likely benign based on ACMG/AMP sequence variant interpretation guidelines (Richards et al. 2015 PMID: 25741868, with internal and published modifications).

NM_002691.4(POLD1):c.2040C>A (p.Pro680=)

Gene: POLD1 (DNA polymerase delta 1, catalytic subunit; plus strand). Cytogenetic location: 19q13.33.
Variant type: single nucleotide variant.
Coding change: c.2040C>A on transcript NM_002691.4 (MANE Select); coding-DNA position 2040, C replaced by A.
Protein change: p.Pro680=; no amino-acid change (proline 680 retained).
Molecular consequence: synonymous variant. On other transcripts: non-coding transcript variant (1).
Genome position (GRCh38, 1-based): chr19:50,409,552, C>A. VCF-style: chr19-50409552-C-A. GRCh37 (hg19) VCF-style: chr19-50912809-C-A.
Other names: c.2040C>A (NM_002691.3); c.2040C>A, p.Pro680= (NM_001256849.1); c.2118C>A, p.Pro706= (NM_001308632.1).
Identifiers: ClinVar variation 1548554 (VCV001548554.12), dbSNP rs2122385762, ClinGen allele CA508185618.